The following is an entry in ClinVar:

NM_152415.3(VPS37A):c.200+257A>T

Gene: VPS37A (VPS37A subunit of ESCRT-I; plus strand). Cytogenetic location: 8p22.
Variant type: single nucleotide variant.
Coding change: c.200+257A>T on transcript NM_152415.3 (MANE Select); 257 bases into the intron after coding-DNA position 200, A replaced by T.
Molecular consequence: intron variant.
Genome position (GRCh38, 1-based): chr8:17,266,238, A>T. VCF-style: chr8-17266238-A-T. GRCh37 (hg19) VCF-style: chr8-17123747-A-T.
Other names: c.-71+257A>T (NM_001363172.2, NM_001363168.1, NM_001363170.1 and 2 more transcripts); c.200+257A>T (NM_001363173.2, NM_001363167.1); c.126-2020A>T (NM_001145152.2).
Identifiers: ClinVar variation 669967 (VCV000669967.1), dbSNP rs6998288, ClinGen allele CA12925959.
Genomic context (GRCh38, chr8:17,266,238, plus strand): 5'-GAGGAAATGCAATAAAAATGTGTAATACTAATTCTGAGTACTGTAATTGTTTTTATTGAT[A>T]AGCACTAAAATCTTAGCAGGAGGTATGCTGAAAAATGATAATAAAAAACAAAGGGGTTAT-3'

ClinVar aggregate classification (germline): Benign (1 of 4 stars; one submission).

Allele frequency attached by ClinVar (database versions not stated): gnomAD 0.36413 and 0.36497; TOPMed 0.37865; 1000 Genomes Project 30x 0.44550; 1000 Genomes Project 0.44768.
gnomAD v4.1: 55,099 of 151,970 alleles (36%); highest among the groups gnomAD compares: East Asian, 59%; 11,436 homozygotes.

Submission:

GeneDx
Classification: Benign. Last evaluated: 2018-06-14. Review status: criteria provided, single submitter. Criteria: GeneDx Variant Classification (06012015). Collection method: clinical testing. Allele origin: germline. Affected: yes.
Comment: This variant is considered likely benign or benign based on one or more of the following criteria: it is a conservative change, it occurs at a poorly conserved position in the protein, it is predicted to be benign by multiple in silico algorithms, and/or has population frequency not consistent with disease.